The following is an entry in ClinVar:

ClinVar aggregate classification (germline): Conflicting classifications of pathogenicity. Review status: criteria provided, conflicting classifications (1 of 4 stars). 4 submissions from 4 submitters: Uncertain significance (2); Likely benign (2). Last evaluated 2026-04-28.

Conditions:
EYA4-related disorder. Also called: EYA4-related condition; EYA4-related disorders. Identifiers: MedGen CN239388.
Dilated cardiomyopathy 1J (CMD1J). Also called: CARDIOMYOPATHY, DILATED, WITH SENSORINEURAL HEARING LOSS, AUTOSOMAL DOMINANT. Identifiers: Orphanet 217622, MedGen C1854368, MONDO:0011541, OMIM 605362.

Allele frequency attached by ClinVar (database versions not stated): ExAC 0.00001; TOPMed 0.00001; gnomAD 0.00002 and 0.00003; gnomAD exomes 0.00002 and 0.00004.
gnomAD v4.1: 37 of 1,613,934 alleles (0.0023%); highest among the groups gnomAD compares: Non-Finnish European, 0.00042%; no homozygotes.

Submissions (4):

PreventionGenetics, part of Exact Sciences
Classification: Likely benign for EYA4-related condition. Last evaluated: 2026-04-28. Review status: criteria provided, single submitter. Criteria: ACMG Guidelines, 2015. Collection method: clinical testing. Allele origin: germline.
Comment: This variant is classified as likely benign based on ACMG/AMP sequence variant interpretation guidelines (Richards et al. 2015 PMID: 25741868, with internal and published modifications).

Labcorp Genetics (formerly Invitae), Labcorp
Classification: Likely benign for Dilated cardiomyopathy 1J. Last evaluated: 2025-12-03. Review status: criteria provided, single submitter. Criteria: Invitae Variant Classification Sherloc (09022015). Collection method: clinical testing. Allele origin: germline.

GeneDx
Classification: Uncertain significance. Last evaluated: 2022-08-01. Review status: criteria provided, single submitter. Criteria: GeneDx Variant Classification Process June 2021. Collection method: clinical testing. Allele origin: germline. Affected: yes.
Comment: In silico analysis, which includes protein predictors and evolutionary conservation, supports a deleterious effect; Has not been previously published as pathogenic or benign to our knowledge

Blueprint Genetics
Classification: Uncertain significance. Last evaluated: 2021-05-11. Review status: criteria provided, single submitter. Criteria: ACMG Guidelines, 2015. Collection method: clinical testing. Allele origin: germline.

NM_004100.5(EYA4):c.1058G>A (p.Gly353Glu)

Gene: EYA4 (EYA transcriptional coactivator and phosphatase 4; plus strand). Cytogenetic location: 6q23.2.
Variant type: single nucleotide variant.
Coding change: c.1058G>A on transcript NM_004100.5 (MANE Select); coding-DNA position 1058, G replaced by A.
Protein change: p.Gly353Glu; replaces glycine 353 with glutamic acid.
Molecular consequence: missense variant.
Genome position (GRCh38, 1-based): chr6:133,481,550, G>A. VCF-style: chr6-133481550-G-A. GRCh37 (hg19) VCF-style: chr6-133802688-G-A.
Other names: c.896G>A, p.Gly299Glu (NM_001301012.2); c.1076G>A, p.Gly359Glu (NM_001301013.2); c.989G>A, p.Gly330Glu (NM_001370458.1, NM_172103.4); c.914G>A, p.Gly305Glu (NM_001370459.1); c.1058G>A, p.Gly353Glu (NM_172105.4); short protein forms G353E, G330E, G359E, G299E, G305E.
Identifiers: ClinVar variation 76148 (VCV000076148.12), dbSNP rs267600817, ClinGen allele CA4008230.